The following is an entry in ClinVar:

NM_183050.4(BCKDHB):c.845A>G (p.His282Arg)

Gene: BCKDHB (branched chain keto acid dehydrogenase E1 subunit beta; plus strand). Cytogenetic location: 6q14.1.
Variant type: single nucleotide variant.
Coding change: c.845A>G on transcript NM_183050.4 (MANE Select); coding-DNA position 845, A replaced by G.
Protein change: p.His282Arg; replaces histidine 282 with arginine.
Molecular consequence: missense variant. On other transcripts: non-coding transcript variant (1).
Genome position (GRCh38, 1-based): chr6:80,203,106, A>G. VCF-style: chr6-80203106-A-G. GRCh37 (hg19) VCF-style: chr6-80912823-A-G.
Other names: NC_000006.11:g.80912823A>G; c.845A>G, p.His282Arg (NM_000056.5); c.635A>G, p.His212Arg (NM_001318975.1); short protein forms H282R, H212R.
Identifiers: ClinVar variation 96614 (VCV000096614.8), dbSNP rs398124597, ClinGen allele CA224350.

ClinVar aggregate classification (germline): Uncertain significance. Review status: criteria provided, multiple submitters, no conflicts (2 of 4 stars). 2 submissions from 2 submitters: Uncertain significance (2). Last evaluated 2024-03-22.

Allele frequency attached by ClinVar (database versions not stated): TOPMed below 0.00001; ExAC 0.00002; gnomAD exomes below 0.00001 and 0.00001.
gnomAD v4.1: 13 of 1,609,654 alleles (0.00081%); highest among the groups gnomAD compares: African/African-American, 0.0013%; no homozygotes.

Submissions (3):

Women's Health and Genetics/Laboratory Corporation of America, LabCorp
Classification: Uncertain significance. Last evaluated: 2024-03-22. Review status: criteria provided, single submitter. Criteria: LabCorp Variant Classification Summary - May 2015. Collection method: clinical testing. Allele origin: germline.
Comment: Variant summary: BCKDHB c.845A>G (p.His282Arg) results in a non-conservative amino acid change located in the Transketolase, C-terminal domain (IPR033248) of the encoded protein sequence. Three of five in-silico tools predict a damaging effect of the variant on protein function. The variant allele was found at a frequency of 4e-06 in 250700 control chromosomes (gnomAD). The available data on variant occurrences in the general population are insufficient to allow any conclusion about variant significance. To our knowledge, no occurrence of c.845A>G in individuals affected with Maple Syrup Urine Disease and no experimental evidence demonstrating its impact on protein function have been reported. ClinVar contains an entry for this variant (Variation ID: 96614). Based on the evidence outlined above, the variant was classified as uncertain significance.

Eurofins Ntd Llc (ga)
Classification: Uncertain significance. Last evaluated: 2014-06-02. Review status: criteria provided, single submitter. Criteria: EGL Classification Definitions 2015. Collection method: clinical testing. Allele origin: germline. Observed: 2 variant alleles, 2 heterozygotes.

Dr. Peter K. Rogan Lab, Western University
No classification provided (evidence only). Condition: Colorectal cancer. Review status: no classification provided. Collection method: in vitro. Allele origin: not applicable. Functional consequence: retained intron. Not counted in ClinVar's aggregate classification.